The following is an entry in ClinVar:

ClinVar aggregate classification (germline): Uncertain significance. Review status: criteria provided, multiple submitters, no conflicts (2 of 4 stars). 2 submissions from 2 submitters: Uncertain significance (2). Last evaluated 2022-03-11.

Conditions:
Developmental and epileptic encephalopathy, 34 (DEE34). Also called: SLC12A5-Related Epilepsy of Infancy with Migrating Focal Seizures; Early infantile epileptic encephalopathy 34. Identifiers: Orphanet 293181, MedGen C4225257, MONDO:0014718, OMIM 616645.

Allele frequency attached by ClinVar (database versions not stated): gnomAD 0.00001.
gnomAD v4.1: 1 of 1,613,976 alleles (0.000062%); highest among the groups gnomAD compares: African/African-American, 0.0013%; no homozygotes.

Submissions (2):

Labcorp Genetics (formerly Invitae), Labcorp
Classification: Uncertain significance for Developmental and epileptic encephalopathy, 34. Last evaluated: 2022-03-11. Review status: criteria provided, single submitter. Criteria: Invitae Variant Classification Sherloc (09022015). Collection method: clinical testing. Allele origin: germline.
Comment: In summary, the available evidence is currently insufficient to determine the role of this variant in disease. Therefore, it has been classified as a Variant of Uncertain Significance. Advanced modeling of protein sequence and biophysical properties (such as structural, functional, and spatial information, amino acid conservation, physicochemical variation, residue mobility, and thermodynamic stability) performed at Invitae indicates that this missense variant is not expected to disrupt SLC12A5 protein function. ClinVar contains an entry for this variant (Variation ID: 1305509). This missense change has been observed in individual(s) with focal clonic seizures (PMID: 31618474). This variant is not present in population databases (gnomAD no frequency). This sequence change replaces asparagine, which is neutral and polar, with serine, which is neutral and polar, at codon 328 of the SLC12A5 protein (p.Asn328Ser).

GeneDx
Classification: Uncertain significance. Last evaluated: 2019-04-23. Review status: criteria provided, single submitter. Criteria: GeneDx Variant Classification Process June 2021. Collection method: clinical testing. Allele origin: germline. Affected: yes.
Comment: Not observed in large population cohorts (Lek et al., 2016); In silico analysis, which includes protein predictors and evolutionary conservation, supports that this variant does not alter protein structure/function; Has not been previously published as pathogenic or benign to our knowledge; This variant is associated with the following publications: (PMID: 31618474)

Literature cited by the submitters: PubMed 31618474 (cited by Labcorp Genetics (formerly Invitae), Labcorp).

NM_020708.5(SLC12A5):c.983A>G (p.Asn328Ser)

Gene: SLC12A5 (solute carrier family 12 member 5; plus strand). Cytogenetic location: 20q13.12.
Variant type: single nucleotide variant.
Coding change: c.983A>G on transcript NM_020708.5 (MANE Select); coding-DNA position 983, A replaced by G.
Protein change: p.Asn328Ser; replaces asparagine 328 with serine.
Molecular consequence: missense variant.
Genome position (GRCh38, 1-based): chr20:46,041,457, A>G. VCF-style: chr20-46041457-A-G. GRCh37 (hg19) VCF-style: chr20-44670096-A-G.
Other names: c.1052A>G, p.Asn351Ser (NM_001134771.2); short protein forms N328S, N351S.
Identifiers: ClinVar variation 1305509 (VCV001305509.6), dbSNP rs2084546554, ClinGen allele CA409190437.